The following is an entry in ClinVar:

NM_000059.4(BRCA2):c.3270del (p.Met1090fs)

Gene: BRCA2 (BRCA2 DNA repair associated; plus strand). Cytogenetic location: 13q13.1.
Variant type: Deletion.
Coding change: c.3270del on transcript NM_000059.4 (MANE Select); coding-DNA position 3270, one base deleted (G; older notation c.3270delG).
Protein change: p.Met1090fs; shifts the reading frame from methionine 1090.
Molecular consequence: frameshift variant.
Genome position (GRCh38, 1-based): chr13:32,337,625, G deleted. VCF-style (leftmost placement, unchanged base first): chr13-32337624-TG-T. GRCh37 (hg19) VCF-style: chr13-32911761-TG-T.
Other names: c.3270delG (NM_000059.3); short protein forms M1090fs.
Identifiers: ClinVar variation 491238 (VCV000491238.15), dbSNP rs1555283134, ClinGen allele CA658683859.
Genomic context (GRCh38, chr13:32,337,624, plus strand): 5'-CACATTTACAGAGTAGTGTAGTTGTTTCTGATTGTAAAAATAGTCATATAACCCCTCAGA[TG>T]TTATTTTCCAAGCAGGATTTTAATTCAAACCATAATTTAACACCTAGCCAAAAGGCAGAA-3'

ClinVar aggregate classification (germline): Pathogenic. Review status: criteria provided, multiple submitters, no conflicts (2 of 4 stars). 2 submissions from 2 submitters: Pathogenic (2). Last evaluated 2020-05-21.

Conditions:
Hereditary breast ovarian cancer syndrome. Also called: Hereditary breast and/or ovarian cancer syndrome; BRCA1- and BRCA2-Associated Hereditary Breast and Ovarian Cancer; Breast and ovarian cancer; Hereditary breast and ovarian cancer; Hereditary breast and ovarian cancer syndrome; Hereditary breast and ovarian cancer syndrome (HBOC). Identifiers: Orphanet 145, MedGen C0677776, MeSH D061325, MONDO:0003582. Disease mechanism: loss of function.
Hereditary cancer-predisposing syndrome. Also called: Hereditary neoplastic syndrome; Tumor predisposition; Hereditary Cancer Syndrome; Neoplastic Syndromes, Hereditary. Identifiers: Orphanet 140162, MedGen C0027672, MeSH D009386, MONDO:0015356.

Submissions (2):

Color Diagnostics, LLC DBA Color Health
Classification: Pathogenic for Hereditary cancer-predisposing syndrome. Last evaluated: 2020-05-21. Review status: criteria provided, single submitter. Criteria: ACMG Guidelines, 2015. Collection method: clinical testing. Allele origin: germline.
Comment: This variant deletes 1 nucleotide in exon 11 of the BRCA2 gene, creating a frameshift and premature translation stop signal. This variant is expected to result in an absent or non-functional protein product. To our knowledge, this variant has not been reported in individuals affected with hereditary cancer in the literature. This variant has not been identified in the general population by the Genome Aggregation Database (gnomAD). Loss of BRCA2 function is a known mechanism of disease. Based on the available evidence, this variant is classified as Pathogenic.

Labcorp Genetics (formerly Invitae), Labcorp
Classification: Pathogenic for Hereditary breast ovarian cancer syndrome. Last evaluated: 2019-04-12. Review status: criteria provided, single submitter. Criteria: Invitae Variant Classification Sherloc (09022015). Collection method: clinical testing. Allele origin: germline.
Comment: This sequence change creates a premature translational stop signal (p.Met1090Ilefs*14) in the BRCA2 gene. It is expected to result in an absent or disrupted protein product. This variant is not present in population databases (ExAC no frequency). For these reasons, this variant has been classified as Pathogenic. Loss-of-function variants in BRCA2 are known to be pathogenic (PMID: 20104584). This variant has been observed in individuals affected with breast and/or ovarian cancer (PMID: 28724667, 30702160). ClinVar contains an entry for this variant (Variation ID: 491238).

Literature cited by the submitters: PubMed 20104584 (cited by Labcorp Genetics (formerly Invitae), Labcorp); PubMed 28724667 (cited by Labcorp Genetics (formerly Invitae), Labcorp); PubMed 30702160 (cited by Labcorp Genetics (formerly Invitae), Labcorp).